The following is an entry in ClinVar:

ClinVar aggregate classification (germline): Likely benign (1 of 4 stars; one submission).

Submission:

CeGaT Center for Human Genetics Tuebingen
Classification: Likely benign. Last evaluated: 2025-05-01. Review status: criteria provided, single submitter. Criteria: CeGaT Center For Human Genetics Tuebingen Variant Classification Criteria Version 2. Collection method: clinical testing. Allele origin: germline. Affected: yes. Observed: 1 variant allele.
Comment: CBL: BS1

NM_005188.3(CBL):c.-127_-125GGC[5]

Genes: CBL (Cbl proto-oncogene; plus strand), FRA11B (fragile site, folic acid type, rare, fra(11)(q23.3); plus strand), LOC130006894 (ATAC-STARR-seq lymphoblastoid silent region 3974; plus strand). Cytogenetic location: 11q23.3.
Variant type: Microsatellite.
Coding change: c.-127_-125GGC[5] on transcript NM_005188.3.
Genome position: GRCh38 VCF-style: chr11-119206289-CCGGCGGCGGCGGCGGCGG-C. GRCh37 (hg19) VCF-style: chr11-119076999-CCGGCGGCGGCGGCGGCGG-C.
Identifiers: ClinVar variation 3905702 (VCV003905702.10).
Genomic context (GRCh38, chr11:119,206,289, plus strand): 5'-GCGCACTCCCGGCGCCGCCCACTCCCCTCCCCACGGCCGCTCCTCCCTCCGCCCGGATAG[CCGGCGGCGGCGGCGGCGG>C]CGGCGGCGGCGGCGGCCGGGAGAGGCCCCTCCTTCACGCCCTGCTTCTCTCCCTCGCTCG-3'